The following is an entry in ClinVar:

NM_001148.6(ANK2):c.3351G>T (p.Leu1117Phe)

Gene: ANK2 (ankyrin 2; plus strand). Cytogenetic location: 4q26.
Variant type: single nucleotide variant.
Coding change: c.3351G>T on transcript NM_001148.6 (MANE Select); coding-DNA position 3351, G replaced by T.
Protein change: p.Leu1117Phe; replaces leucine 1117 with phenylalanine.
Molecular consequence: missense variant.
Genome position (GRCh38, 1-based): chr4:113,333,180, G>T. VCF-style: chr4-113333180-G-T. GRCh37 (hg19) VCF-style: chr4-114254336-G-T.
Other names: c.3324G>T, p.Leu1108Phe (NM_001127493.3); c.3363G>T, p.Leu1121Phe (NM_001354225.2); c.3252G>T, p.Leu1084Phe (NM_001354228.2, NM_001354258.2); c.3330G>T, p.Leu1110Phe (NM_001354230.2); c.3393G>T, p.Leu1131Phe (NM_001354231.2, NM_001354242.2); c.3387G>T, p.Leu1129Phe (NM_001354232.2); c.3348G>T, p.Leu1116Phe (NM_001354235.2, NM_001354246.2, NM_001354265.2); c.3249G>T, p.Leu1083Phe (NM_001354236.2); and 28 more; short protein forms L1017F, L1022F, L1030F, L1042F, L1046F, L1050F, L1051F, L1055F.
Identifiers: ClinVar variation 3220973 (VCV003220973.1), dbSNP rs2092848128, ClinGen allele CA357936371.

ClinVar aggregate classification (germline): Uncertain significance (1 of 4 stars; one submission).

Conditions:
Cardiovascular phenotype. Identifiers: MedGen CN230736.

Submission:

Ambry Genetics
Classification: Uncertain significance for Cardiovascular phenotype. Last evaluated: 2024-01-14. Review status: criteria provided, single submitter. Criteria: Ambry Variant Classification Scheme 2023. Collection method: clinical testing. Allele origin: germline.
Comment: The p.L1117F variant (also known as c.3351G>T), located in coding exon 29 of the ANK2 gene, results from a G to T substitution at nucleotide position 3351. The leucine at codon 1117 is replaced by phenylalanine, an amino acid with highly similar properties. This amino acid position is conserved. In addition, the in silico prediction for this alteration is inconclusive. Since supporting evidence is limited at this time, the clinical significance of this alteration remains unclear.